The following is an entry in ClinVar:

NM_001040716.2(PC):c.1673G>A (p.Arg558Gln)

Gene: PC (pyruvate carboxylase; minus strand). Cytogenetic location: 11q13.2.
Variant type: single nucleotide variant.
Coding change: c.1673G>A on transcript NM_001040716.2 (MANE Select); coding-DNA position 1673, G replaced by A.
Protein change: p.Arg558Gln; replaces arginine 558 with glutamine.
Molecular consequence: missense variant.
Genome position (GRCh38, 1-based): chr11:66,852,591, C>T on the plus strand (G>A on the coding strand, the complement: PC is on the minus strand). VCF-style: chr11-66852591-C-T. GRCh37 (hg19) VCF-style: chr11-66620062-C-T.
Other names: c.1673G>A, p.Arg558Gln (NM_000920.4, NM_022172.3); short protein forms R558Q.
Identifiers: ClinVar variation 1348973 (VCV001348973.3), dbSNP rs773005705, ClinGen allele CA6131295.

ClinVar aggregate classification (germline): Uncertain significance (1 of 4 stars; one submission).

Conditions:
Pyruvate carboxylase deficiency. Also called: ATAXIA WITH LACTIC ACIDOSIS II; LEIGH NECROTIZING ENCEPHALOPATHY DUE TO PYRUVATE CARBOXYLASE DEFICIENCY; LEIGH SYNDROME DUE TO PYRUVATE CARBOXYLASE DEFICIENCY; PC DEFICIENCY; Pyruvate Carboxylase Deficiency Disease. Identifiers: Orphanet 3008, MedGen C0034341, MONDO:0009949, OMIM 266150.

Allele frequency attached by ClinVar (database versions not stated): gnomAD exomes below 0.00001 and 0.00002; TOPMed below 0.00001; gnomAD 0.00001; ExAC 0.00002.
gnomAD v4.1: 30 of 1,613,890 alleles (0.0019%); highest among the groups gnomAD compares: Non-Finnish European, 0.0025%; no homozygotes.

Submission:

Labcorp Genetics (formerly Invitae), Labcorp
Classification: Uncertain significance for Pyruvate carboxylase deficiency. Last evaluated: 2022-02-24. Review status: criteria provided, single submitter. Criteria: Invitae Variant Classification Sherloc (09022015). Collection method: clinical testing. Allele origin: germline.
Comment: This sequence change replaces arginine, which is basic and polar, with glutamine, which is neutral and polar, at codon 558 of the PC protein (p.Arg558Gln). This variant is present in population databases (rs773005705, gnomAD 0.002%). This variant has not been reported in the literature in individuals affected with PC-related conditions. Algorithms developed to predict the effect of missense changes on protein structure and function are either unavailable or do not agree on the potential impact of this missense change (SIFT: "Deleterious"; PolyPhen-2: "Probably Damaging"; Align-GVGD: "Class C0"). In summary, the available evidence is currently insufficient to determine the role of this variant in disease. Therefore, it has been classified as a Variant of Uncertain Significance.